The following is an entry in ClinVar:

ClinVar aggregate classification (germline): Pathogenic. Review status: criteria provided, multiple submitters, no conflicts (2 of 4 stars). 7 submissions from 7 submitters: Pathogenic (6). 1 of the submissions does not count toward it. Last evaluated 2025-03-21.

Conditions:
Metachromatic leukodystrophy (MLD). Also called: SULFATIDE LIPIDOSIS; CEREBROSIDE SULFATASE DEFICIENCY; METACHROMATIC LEUKOENCEPHALOPATHY; Arylsulfatase A Deficiency; Cerebral sclerosis diffuse metachromatic form; ARSA DEFICIENCY. Identifiers: Orphanet 512, MedGen C0023522, MONDO:0018868, OMIM 250100.

Allele frequency attached by ClinVar (database versions not stated): gnomAD exomes below 0.00001 and 0.00002; TOPMed 0.00001; gnomAD 0.00002.

Submissions (7):

Natera, Inc.
Classification: Pathogenic for Metachromatic leukodystrophy. Last evaluated: 2025-03-21. Review status: criteria provided, single submitter. Criteria: Natera Variant Classification Schema (03/2026). Collection method: clinical testing. Allele origin: germline.
Comment: The c.960G>A variant in ARSA is a nonsense variant predicted to introduce a stop codon at amino acid 320. This variant is expected to result in nonsense mediated decay, truncation, or a dysfunctional protein product. This variant is rare in the general population with a frequency below the threshold expected for the associated phenotype(s). This variant has been observed in one or more individuals affected with the associated recessive disease, as either homozygous or compound heterozygous with a second variant (PMID: 30057904, 17560502). Given the available evidence, this variant is classified as Pathogenic.

First Genomix Gene Laboratory, Genetic Diagnostics Department
Classification: Pathogenic for Metachromatic leukodystrophy. Last evaluated: 2025-01-08. Review status: criteria provided, single submitter. Criteria: ACMG Guidelines, 2015. Collection method: clinical testing. Allele origin: germline. Inheritance: Autosomal recessive inheritance. Affected: no. Observed: 1 variant allele.

Labcorp Genetics (formerly Invitae), Labcorp
Classification: Pathogenic for Metachromatic leukodystrophy. Last evaluated: 2024-10-31. Review status: criteria provided, single submitter. Criteria: Invitae Variant Classification Sherloc (09022015). Collection method: clinical testing. Allele origin: germline.
Comment: This sequence change creates a premature translational stop signal (p.Trp320*) in the ARSA gene. It is expected to result in an absent or disrupted protein product. Loss-of-function variants in ARSA are known to be pathogenic (PMID: 8962139, 10477432). This variant is present in population databases (no rsID available, gnomAD 0.03%). This premature translational stop signal has been observed in individual(s) with metachromatic leukodystrophy (PMID: 11020646, 26553228, 30057904). In at least one individual the data is consistent with being in trans (on the opposite chromosome) from a pathogenic variant. It has also been observed to segregate with disease in related individuals. This variant is also known as W318X. ClinVar contains an entry for this variant (Variation ID: 495883). For these reasons, this variant has been classified as Pathogenic.

Fulgent Genetics
Classification: Pathogenic for Metachromatic leukodystrophy. Last evaluated: 2022-05-13. Review status: criteria provided, single submitter. Criteria: ACMG Guidelines, 2015. Collection method: clinical testing. Allele origin: unknown.

Women's Health and Genetics/Laboratory Corporation of America, LabCorp
Classification: Pathogenic for Metachromatic leukodystrophy. Last evaluated: 2017-03-09. Review status: criteria provided, single submitter. Criteria: LabCorp Variant Classification Summary - May 2015. Collection method: clinical testing. Allele origin: germline.
Comment: Variant summary: The ARSA c.960G>A (p.Trp320X) variant results in a premature termination codon, predicted to cause a truncated or absent ARSA protein due to nonsense mediated decay, which are commonly known mechanisms for disease. Multiple publications have cited the variant in affected individuals (varying degrees of onset: late-infantile, juvenile, and adult), who were compound heterozygotes or homozygotes, with significantly lower to nondetectable ARSA enzymatic activity. Therefore, the variant of interest has been classified as "pathogenic."

Juno Genomics, Hangzhou Juno Genomics, Inc
Classification: Pathogenic for Metachromatic leukodystrophy. Review status: criteria provided, single submitter. Criteria: ACMG Guidelines, 2015. Collection method: clinical testing. Allele origin: germline.
Comment: Absent from controls (or at extremely low frequency if recessive) in Genome Aggregation Database.;Null variant in a gene where loss of function (LOF) is a known mechanism of disease.;For recessive disorders, detected in trans with a pathogenic variant.

Counsyl
Classification: Likely pathogenic for Metachromatic leukodystrophy. Last evaluated: 2015-03-25. Review status: no assertion criteria provided. Collection method: clinical testing. Allele origin: unknown. Not counted in ClinVar's aggregate classification.

Literature cited by the submitters: PubMed 30057904 (cited by Natera, Inc. and Labcorp Genetics (formerly Invitae), Labcorp); PubMed 17560502 (cited by Natera, Inc. and Counsyl); PubMed 8962139 (cited by Labcorp Genetics (formerly Invitae), Labcorp); PubMed 10477432 (cited by Labcorp Genetics (formerly Invitae), Labcorp); PubMed 11020646 (cited by 3 submitters); PubMed 26553228 (cited by Labcorp Genetics (formerly Invitae), Labcorp and Women's Health and Genetics/Laboratory Corporation of America, LabCorp).

NM_000487.6(ARSA):c.960G>A (p.Trp320Ter)

Gene: ARSA (arylsulfatase A; minus strand). Cytogenetic location: 22q13.33.
Variant type: single nucleotide variant.
Coding change: c.960G>A on transcript NM_000487.6 (MANE Select); coding-DNA position 960, G replaced by A.
Protein change: p.Trp320Ter; replaces tryptophan 320 with a stop codon.
Molecular consequence: nonsense.
Genome position (GRCh38, 1-based): chr22:50,626,173, C>T on the plus strand (G>A on the coding strand, the complement: ARSA is on the minus strand). VCF-style: chr22-50626173-C-T. GRCh37 (hg19) VCF-style: chr22-51064601-C-T.
Other names: c.960G>A, p.Trp320Ter (NM_001085425.3, NM_001085426.3, NM_001085427.3); c.702G>A, p.Trp234Ter (NM_001085428.3, NM_001362782.2); short protein forms W320*, W234*.
Identifiers: ClinVar variation 495883 (VCV000495883.15), dbSNP rs1375757476, ClinGen allele CA412174356.
Genomic context (GRCh38, chr22:50,626,173, plus strand): 5'-TGGTGGGGCCAGGGTTCCAAGGAGAGGGCCTGCGGACTGACCGGGAGCGATATGACCTGG[C>T]CAGAAGGCCAAGGCAGGCTCTCGGACACCGCCCTCGTAGGTCGTTCCCTTTCCACACCGC-3'